The following is an entry in ClinVar:

ClinVar aggregate classification (germline): Likely pathogenic. Review status: criteria provided, multiple submitters, no conflicts (2 of 4 stars). 7 submissions from 7 submitters: Likely pathogenic (7). Last evaluated 2025-03-04.

Conditions:
Familial cancer of breast. Also called: BREAST CANCER, FAMILIAL; hereditary breast carcinoma; Hereditary breast cancer. Identifiers: Orphanet 227535, MedGen C0346153, MONDO:0016419, OMIM 114480. Disease mechanism: loss of function.
Hereditary cancer-predisposing syndrome. Also called: Neoplastic Syndromes, Hereditary; Tumor predisposition; Hereditary Cancer Syndrome; Hereditary neoplastic syndrome. Identifiers: Orphanet 140162, MedGen C0027672, MeSH D009386, MONDO:0015356.

Allele frequency attached by ClinVar (database versions not stated): gnomAD exomes below 0.00001; TOPMed below 0.00001; ExAC 0.00001.
gnomAD v4.1: 1 of 1,602,188 alleles (0.000062%); highest among the groups gnomAD compares: Non-Finnish European, 0.000086%; no homozygotes.

Submissions (7):

Center for Genomic Medicine, Rigshospitalet, Copenhagen University Hospital
Classification: Likely pathogenic. Last evaluated: 2025-03-04. Review status: criteria provided, single submitter. Criteria: ACMG Guidelines, 2015. Collection method: clinical testing. Allele origin: germline.

Department of Clinical Genetics, Copenhagen University Hospital, Rigshospitalet
Classification: Likely pathogenic for Hereditary cancer-predisposing syndrome. Last evaluated: 2025-02-04. Review status: criteria provided, single submitter. Criteria: ACMG Guidelines, 2015. Collection method: clinical testing. Allele origin: germline.
Comment: PVS1_Strong; PS4

Ambry Genetics
Classification: Likely pathogenic for Hereditary cancer-predisposing syndrome. Last evaluated: 2025-01-21. Review status: criteria provided, single submitter. Criteria: Ambry Variant Classification Scheme 2023. Collection method: clinical testing. Allele origin: germline.
Comment: The c.1095+1G>A intronic variant results from a G to A substitution one nucleotide after coding exon 9 of the CHEK2 gene. Alterations that disrupt the canonical splice site are expected to result in aberrant splicing. In silico splice site analysis predicts that this alteration will weaken the native splice donor site. The resulting transcript is predicted to be in-frame and is not expected to trigger nonsense-mediated mRNAdecay. RNA studies have demonstrated that this alteration results primarily in a transcript predicted to lead to a protein with an in-frame deletion of 29 amino acids (Sanoguera-Miralles L et al. Clin Chem. 2024 Jan;70(1):319-338; Ambry internal data). The exact functional effect of the altered amino acid sequence is unknown; however, the impacted region is critical for protein function (Ambry internal data). This alteration has been identified in an individual diagnosed with breast cancer (Dufault MR et al. Int J Cancer, 2004 Jun;110:320-5). This alteration was also seen in 1/150 unselected patients with recurrent or metastatic prostate cancer (Isaacsson Velho P et al. Prostate, 2018 Apr;78:401-407). This variant is considered to be rare based on population cohorts in the Genome Aggregation Database (gnomAD). This nucleotide position is highly conserved in available vertebrate species. Based on the majority of available evidence to date, this variant is likely to be pathogenic.

Labcorp Genetics (formerly Invitae), Labcorp
Classification: Likely pathogenic for Familial cancer of breast. Last evaluated: 2024-05-21. Review status: criteria provided, single submitter. Criteria: Invitae Variant Classification Sherloc (09022015). Collection method: clinical testing. Allele origin: germline.
Comment: This sequence change affects a donor splice site in intron 10 of the CHEK2 gene. RNA analysis indicates that disruption of this splice site induces altered splicing and likely results in a shortened protein product. This variant is not present in population databases (gnomAD no frequency). Disruption of this splice site has been observed in individual(s) with breast cancer and prostate cancer (PMID: 15095295, 29368341, 31948886). This variant is also known as IVS9+1G>A. ClinVar contains an entry for this variant (Variation ID: 231770). Studies have shown that disruption of this splice site results in skipping of exon 10, but is expected to preserve the integrity of the reading-frame (Invitae). In summary, the currently available evidence indicates that the variant is pathogenic, but additional data are needed to prove that conclusively. Therefore, this variant has been classified as Likely Pathogenic.

Myriad Genetics, Inc.
Classification: Likely pathogenic for Familial cancer of breast. Last evaluated: 2023-06-27. Review status: criteria provided, single submitter. Criteria: Myriad Autosomal Dominant, Autosomal Recessive and X-Linked Classification Criteria (2023). Collection method: clinical testing. Allele origin: unknown.
Comment: This variant is considered likely pathogenic. This variant occurs within a consensus splice junction and is predicted to result in abnormal mRNA splicing of either an out-of-frame exon or an in-frame exon necessary for protein stability and/or normal function.

GeneDx
Classification: Likely pathogenic. Last evaluated: 2022-04-29. Review status: criteria provided, single submitter. Criteria: GeneDx Variant Classification Process June 2021. Collection method: clinical testing. Allele origin: germline. Affected: yes.
Comment: Canonical splice site variant expected to result in aberrant splicing and expected to effect the critical Kinase domain (Cai 2009, Roeb 2012), although in the absence of functional evidence the actual effect of this sequence change is unknown.; Not observed at significant frequency in large population cohorts (gnomAD); Observed in individuals with breast cancer (Dufault 2004); This variant is associated with the following publications: (PMID: 22419737, 19782031, 15095295)

Quest Diagnostics Nichols Institute San Juan Capistrano
Classification: Likely pathogenic. Last evaluated: 2018-05-03. Review status: criteria provided, single submitter. Criteria: Quest Diagnostics criteria. Collection method: clinical testing. Allele origin: germline.

Literature cited by the submitters: PubMed 15095295 (cited by Ambry Genetics and Labcorp Genetics (formerly Invitae), Labcorp); PubMed 29368341 (cited by Ambry Genetics and Labcorp Genetics (formerly Invitae), Labcorp); PubMed 37725924 (cited by Ambry Genetics); PubMed 31948886 (cited by Labcorp Genetics (formerly Invitae), Labcorp).

NM_007194.4(CHEK2):c.1095+1G>A

Gene: CHEK2 (checkpoint kinase 2; minus strand). Cytogenetic location: 22q12.1.
Variant type: single nucleotide variant.
Coding change: c.1095+1G>A on transcript NM_007194.4 (MANE Select); the canonical splice donor site of the intron after coding-DNA position 1095, G replaced by A.
Molecular consequence: splice donor variant. On other transcripts: intron variant (3).
Genome position (GRCh38, 1-based): chr22:28,696,900, C>T on the plus strand (G>A on the coding strand, the complement: CHEK2 is on the minus strand). VCF-style: chr22-28696900-C-T. GRCh37 (hg19) VCF-style: chr22-29092888-C-T.
Other names: c.432+1G>A (NM_001437942.1, NM_001257387.3); c.894+1G>A (NM_001349956.3); c.1009-1027G>A (NM_145862.3); c.1102-1027G>A (NM_001438295.1); c.1188+1G>A (NM_001438293.1); c.1138-1027G>A (NM_001438294.1); c.1224+1G>A (NM_001005735.3).
Identifiers: ClinVar variation 231770 (VCV000231770.27), dbSNP rs768172525, ClinGen allele CA10167734.